The following is an entry in ClinVar:

NM_001379029.1(CERT1):c.450A>G (p.Ser150=)

Gene: CERT1 (ceramide transporter 1; minus strand). Cytogenetic location: 5q13.3.
Variant type: single nucleotide variant.
Coding change: c.450A>G on transcript NM_001379029.1 (MANE Select); coding-DNA position 450, A replaced by G.
Protein change: p.Ser150=; no amino-acid change (serine 150 retained).
Molecular consequence: synonymous variant.
Genome position (GRCh38, 1-based): chr5:75,426,377, T>C on the plus strand (A>G on the coding strand, the complement: CERT1 is on the minus strand). VCF-style: chr5-75426377-T-C. GRCh37 (hg19) VCF-style: chr5-74722202-T-C.
Other names: c.834A>G, p.Ser278= (NM_001130105.1); c.450A>G, p.Ser150= (NM_001379002.1, NM_001379003.1, NM_001379004.1 and 2 more transcripts).
Identifiers: ClinVar variation 789475 (VCV000789475.38), dbSNP rs61754510, ClinGen allele CA3309276.
Genomic context (GRCh38, chr5:75,426,377, plus strand): 5'-CAATACTAAACTCAATTTATGTTGTTTAACTTAAGGCATCCATTAACTACACACCTTGAA[T>C]GAAGAGGTGGATGTTGCAGAGTAGCCACTTGCTCCAGACACCAGGGACACCATTGAGCCA-3'
Protein context (NP_001365958.1, residues 140-160): ASGYSATSTS[Ser150=]FKKGHSLREK

ClinVar aggregate classification (germline): Benign/Likely benign. Review status: criteria provided, multiple submitters, no conflicts (2 of 4 stars). 3 submissions from 3 submitters: Benign (1); Likely benign (2). Last evaluated 2026-05-01.

Allele frequency attached by ClinVar (database versions not stated): gnomAD exomes 0.00598 and 0.00718; gnomAD 0.00636 and 0.00648; ESP Exome Variant Server 0.00692; 1000 Genomes Project 0.00300; 1000 Genomes Project 30x 0.00390; TOPMed 0.00558; ExAC 0.00587.
gnomAD v4.1: 11,378 of 1,610,148 alleles (0.71%); highest among the groups gnomAD compares: Non-Finnish European, 0.81%; 67 homozygotes.

Submissions (3):

CeGaT Center for Human Genetics Tuebingen
Classification: Likely benign. Last evaluated: 2026-05-01. Review status: criteria provided, single submitter. Criteria: CeGaT Center For Human Genetics Tuebingen Variant Classification Criteria Version 2. Collection method: clinical testing. Allele origin: germline. Affected: yes. Observed: 48 variant alleles.
Comment: CERT1: BP4, BP7, BS2

Labcorp Genetics (formerly Invitae), Labcorp
Classification: Benign. Last evaluated: 2019-12-31. Review status: criteria provided, single submitter. Criteria: Invitae Variant Classification Sherloc (09022015). Collection method: clinical testing. Allele origin: germline.

Breakthrough Genomics
Classification: Likely benign. Review status: criteria provided, single submitter. Criteria: ACMG Guidelines, 2015. Collection method: not provided. Allele origin: germline. Inheritance: Autosomal dominant inheritance. Affected: yes.